The following is an entry in ClinVar:

NM_032119.4(ADGRV1):c.3580G>C (p.Asp1194His)

Gene: ADGRV1 (adhesion G protein-coupled receptor V1; plus strand). Cytogenetic location: 5q14.3.
Variant type: single nucleotide variant.
Coding change: c.3580G>C on transcript NM_032119.4 (MANE Select); coding-DNA position 3580, G replaced by C.
Protein change: p.Asp1194His; replaces aspartic acid 1194 with histidine.
Molecular consequence: missense variant. On other transcripts: non-coding transcript variant (1).
Genome position (GRCh38, 1-based): chr5:90,652,509, G>C. VCF-style: chr5-90652509-G-C. GRCh37 (hg19) VCF-style: chr5-89948326-G-C.
Other names: short protein forms D1194H.
Identifiers: ClinVar variation 505140 (VCV000505140.15), dbSNP rs779520200, ClinGen allele CA3339208.

ClinVar aggregate classification (germline): Conflicting classifications of pathogenicity. Review status: criteria provided, conflicting classifications (1 of 4 stars). 3 submissions from 3 submitters: Uncertain significance (2); Likely benign (1). Last evaluated 2023-11-18.

Conditions:
Usher syndrome type 2C. Also called: Usher syndrome, type 2B; USHER SYNDROME, TYPE IIC. Identifiers: Orphanet 231178, Orphanet 886, MedGen C2931213, MONDO:0011558, OMIM 605472.

Allele frequency attached by ClinVar (database versions not stated): gnomAD exomes 0.00001 and 0.00002; ExAC 0.00002.
gnomAD v4.1: 13 of 1,612,964 alleles (0.00081%); highest among the groups gnomAD compares: Middle Eastern, 0.033%; no homozygotes.

Submissions (3):

Labcorp Genetics (formerly Invitae), Labcorp
Classification: Likely benign. Last evaluated: 2023-11-18. Review status: criteria provided, single submitter. Criteria: Invitae Variant Classification Sherloc (09022015). Collection method: clinical testing. Allele origin: germline.

Laboratory for Molecular Medicine, Mass General Brigham Personalized Medicine
Classification: Uncertain significance. Last evaluated: 2016-06-21. Review status: criteria provided, single submitter. Criteria: LMM Criteria. Collection method: clinical testing. Allele origin: germline. Observed: 1 variant allele.
Comment: The p.Asp1194His variant in GPR98 has not been previously reported in individual s with hearing loss or Usher syndrome. This variant has been identified in 2/162 56 South Asian chromosomes by the Exome Aggregation Consortium (ExAC; dbSNP rs779520200). Although this variant has been seen in the general population, its frequency is not high enough to rule out a pathogen ic role. Computational prediction tools and conservation analyses suggest that t his variant may impact the protein, though this information is not predictive en ough to determine pathogenicity. In summary, the clinical significance of the p .Asp1194His variant is uncertain.

Juno Genomics, Hangzhou Juno Genomics, Inc
Classification: Uncertain significance for Usher syndrome type 2C. Review status: criteria provided, single submitter. Criteria: ACMG Guidelines, 2015. Collection method: clinical testing. Allele origin: germline. Affected: yes.
Comment: Absent from controls (or at extremely low frequency if recessive) in Genome Aggregation Database, Exome Sequencing Project, 1000 Genomes Project, or Exome Aggregation Consortium.;For recessive disorders, detected in trans with a pathogenic variant.